The following is an entry in ClinVar:

ClinVar aggregate classification (germline): Conflicting classifications of pathogenicity. Review status: criteria provided, conflicting classifications (1 of 4 stars). 2 submissions from 2 submitters: Likely pathogenic (1); Uncertain significance (1). Last evaluated 2023-12-01.

Conditions:
8q24.3 microdeletion syndrome. Also called: CHROMOSOME 8q24.3 DELETION SYNDROME; Verheij syndrome. Identifiers: Orphanet 508488, MedGen C3810023, MONDO:0014263, OMIM 615583.

Submissions (2):

CeGaT Center for Human Genetics Tuebingen
Classification: Uncertain significance. Last evaluated: 2023-12-01. Review status: criteria provided, single submitter. Criteria: CeGaT Center For Human Genetics Tuebingen Variant Classification Criteria Version 2. Collection method: clinical testing. Allele origin: germline. Affected: yes. Observed: 1 variant allele.
Comment: PUF60: PM2, PM6:Supporting, PP2

Institute of Human Genetics, University of Leipzig Medical Center
Classification: Likely pathogenic for 8q24.3 microdeletion syndrome. Last evaluated: 2019-01-01. Review status: criteria provided, single submitter. Criteria: ACMG Guidelines, 2015. Collection method: clinical testing. Allele origin: de novo. Affected: yes.
Comment: This variant was identified as de novo.

NM_078480.3(PUF60):c.686A>C (p.Tyr229Ser)

Gene: PUF60 (poly(U) binding splicing factor 60; minus strand). Cytogenetic location: 8q24.3.
Variant type: single nucleotide variant.
Coding change: c.686A>C on transcript NM_078480.3 (MANE Select); coding-DNA position 686, A replaced by C.
Protein change: p.Tyr229Ser; replaces tyrosine 229 with serine.
Molecular consequence: missense variant.
Genome position (GRCh38, 1-based): chr8:143,817,993, T>G on the plus strand (A>C on the coding strand, the complement: PUF60 is on the minus strand). VCF-style: chr8-143817993-T-G. GRCh37 (hg19) VCF-style: chr8-144900163-T-G.
Other names: c.557A>C, p.Tyr186Ser (NM_001136033.3); c.632A>C, p.Tyr211Ser (NM_001271096.2); c.548A>C, p.Tyr183Ser (NM_001271097.2); c.683A>C, p.Tyr228Ser (NM_001271098.2); c.599A>C, p.Tyr200Ser (NM_001271099.2); c.506A>C, p.Tyr169Ser (NM_001271100.2); c.797A>C, p.Tyr266Ser (NM_001362895.2, NM_001362896.2); c.746A>C, p.Tyr249Ser (NM_001362897.2); and 1 more; short protein forms Y169S, Y183S, Y186S, Y200S, Y211S, Y212S, Y228S, Y229S.
Identifiers: ClinVar variation 982821 (VCV000982821.23), dbSNP rs1816558436, ClinGen allele CA372490644.